The following is an entry in ClinVar:

ClinVar aggregate classification (germline): Uncertain significance (1 of 4 stars; one submission).

Conditions:
Familial thoracic aortic aneurysm and aortic dissection (TAAD). Also called: Thoracic aortic aneurysms and dissections. Identifiers: Orphanet 91387, MedGen C4707243, MONDO:0019625.

Submission:

Ambry Genetics
Classification: Uncertain significance for Familial thoracic aortic aneurysm and aortic dissection. Last evaluated: 2026-09-11. Review status: criteria provided, single submitter. Criteria: Ambry Variant Classification Scheme 2023. Collection method: clinical testing. Allele origin: germline.
Comment: The p.N910D variant (also known as c.2728A>G), located in coding exon 39 of the COL3A1 gene, results from an A to G substitution at nucleotide position 2728. The asparagine at codon 910 is replaced by aspartic acid, an amino acid with highly similar properties. This amino acid position is conserved. In addition, this alteration is predicted to be tolerated by in silico analysis. Based on the available evidence, the clinical significance of this variant remains unclear.

NM_000090.4(COL3A1):c.2728A>G (p.Asn910Asp)

Gene: COL3A1 (collagen type III alpha 1 chain; plus strand). Cytogenetic location: 2q32.2.
Variant type: single nucleotide variant.
Coding change: c.2728A>G on transcript NM_000090.4 (MANE Select); coding-DNA position 2728, A replaced by G.
Protein change: p.Asn910Asp; replaces asparagine 910 with aspartic acid.
Molecular consequence: missense variant.
Genome position (GRCh38, 1-based): chr2:189,004,048, A>G. VCF-style: chr2-189004048-A-G. GRCh37 (hg19) VCF-style: chr2-189868774-A-G.
Other names: short protein forms N910D.
Identifiers: ClinVar variation 4869180 (VCV004869180.2).